The following is an entry in ClinVar:

NM_000548.5(TSC2):c.2592G>T (p.Gln864His)

Gene: TSC2 (TSC complex subunit 2; plus strand). Cytogenetic location: 16p13.3.
Variant type: single nucleotide variant.
Coding change: c.2592G>T on transcript NM_000548.5 (MANE Select); coding-DNA position 2592, G replaced by T.
Protein change: p.Gln864His; replaces glutamine 864 with histidine.
Molecular consequence: missense variant. On other transcripts: non-coding transcript variant (5).
Genome position (GRCh38, 1-based): chr16:2,075,845, G>T. VCF-style: chr16-2075845-G-T. GRCh37 (hg19) VCF-style: chr16-2125846-G-T.
Other names: c.2592G>T, p.Gln864His (NM_001077183.3, NM_001114382.3, NM_001363528.2 and 6 more transcripts); c.2481G>T, p.Gln827His (NM_001318827.2, NM_001406670.1, NM_001406678.1); c.2445G>T, p.Gln815His (NM_001318829.2, NM_001406675.1, NM_001406676.1 and 1 more transcripts); c.1992G>T, p.Gln664His (NM_001318831.2, NM_001406680.1, NM_001406682.1 and 6 more transcripts); c.2625G>T, p.Gln875His (NM_001318832.2); c.2682G>T, p.Gln894His (NM_001406667.1, NM_001406668.1); c.2580G>T, p.Gln860His (NM_001406671.1, NM_001406673.1); c.2535G>T, p.Gln845His (NM_001406677.1); and 3 more; short protein forms Q330H, Q845H, Q860H, Q710H, Q827H, Q864H, Q894H, Q416H.
Identifiers: ClinVar variation 3462574 (VCV003462574.1).
Genomic context (GRCh38, chr16:2,075,845, plus strand): 5'-CTCCATTACCGCAGCTCTGGCCAGGCTGCCGCACCTCTACAGGAACTTTGCCGCGGAGCA[G>T]TATGCCAGTGTGTTCGCCATCTCCCTGCCGTACACCAACCCCTCCAAGTGAGTGGTCGCC-3'
Protein context (NP_000539.2, residues 854-874): PHLYRNFAAE[Gln864His]YASVFAISLP

ClinVar aggregate classification (germline): Uncertain significance (1 of 4 stars; one submission).

Conditions:
Hereditary cancer-predisposing syndrome. Also called: Tumor predisposition; Neoplastic Syndromes, Hereditary; Hereditary neoplastic syndrome; Hereditary Cancer Syndrome. Identifiers: Orphanet 140162, MedGen C0027672, MeSH D009386, MONDO:0015356.

Submission:

Ambry Genetics
Classification: Uncertain significance for Hereditary cancer-predisposing syndrome. Last evaluated: 2024-06-30. Review status: criteria provided, single submitter. Criteria: Ambry Variant Classification Scheme 2023. Collection method: clinical testing. Allele origin: germline.
Comment: The p.Q864H variant (also known as c.2592G>T), located in coding exon 22 of the TSC2 gene, results from a G to T substitution at nucleotide position 2592. The glutamine at codon 864 is replaced by histidine, an amino acid with highly similar properties. This amino acid position is conserved. In addition, this alteration is predicted to be deleterious by in silico analysis. Based on the available evidence, the clinical significance of this variant remains unclear.